The following is an entry in ClinVar:

ClinVar aggregate classification (germline): Uncertain significance. Review status: criteria provided, multiple submitters, no conflicts (2 of 4 stars). 2 submissions from 2 submitters: Uncertain significance (2). Last evaluated 2024-09-08.

Conditions:
Autosomal recessive severe congenital neutropenia due to CSF3R deficiency. Also called: Neutropenia, severe congenital, 7, autosomal recessive. Identifiers: Orphanet 420702, MedGen C4310764, MONDO:0014865, OMIM 617014.
Inborn genetic diseases. Identifiers: MedGen C0950123, MeSH D030342.

Allele frequency attached by ClinVar (database versions not stated): TOPMed below 0.00001; gnomAD 0.00001; gnomAD exomes 0.00001.

Submissions (2):

Ambry Genetics
Classification: Uncertain significance for Inborn genetic diseases. Last evaluated: 2024-09-08. Review status: criteria provided, single submitter. Criteria: Ambry Variant Classification Scheme 2023. Collection method: clinical testing. Allele origin: germline.

Labcorp Genetics (formerly Invitae), Labcorp
Classification: Uncertain significance for Autosomal recessive severe congenital neutropenia due to CSF3R deficiency. Last evaluated: 2024-03-01. Review status: criteria provided, single submitter. Criteria: Invitae Variant Classification Sherloc (09022015). Collection method: clinical testing. Allele origin: germline.
Comment: This sequence change replaces arginine, which is basic and polar, with histidine, which is basic and polar, at codon 311 of the CSF3R protein (p.Arg311His). This variant is present in population databases (no rsID available, gnomAD 0.006%). This variant has not been reported in the literature in individuals affected with CSF3R-related conditions. ClinVar contains an entry for this variant (Variation ID: 1917384). Advanced modeling of protein sequence and biophysical properties (such as structural, functional, and spatial information, amino acid conservation, physicochemical variation, residue mobility, and thermodynamic stability) performed at Invitae indicates that this missense variant is expected to disrupt CSF3R protein function with a positive predictive value of 80%. In summary, the available evidence is currently insufficient to determine the role of this variant in disease. Therefore, it has been classified as a Variant of Uncertain Significance.

NM_000760.4(CSF3R):c.932G>A (p.Arg311His)

Gene: CSF3R (colony stimulating factor 3 receptor; minus strand). Cytogenetic location: 1p34.3.
Variant type: single nucleotide variant.
Coding change: c.932G>A on transcript NM_000760.4 (MANE Select); coding-DNA position 932, G replaced by A.
Protein change: p.Arg311His; replaces arginine 311 with histidine.
Molecular consequence: missense variant.
Genome position (GRCh38, 1-based): chr1:36,472,303, C>T on the plus strand (G>A on the coding strand, the complement: CSF3R is on the minus strand). VCF-style: chr1-36472303-C-T. GRCh37 (hg19) VCF-style: chr1-36937904-C-T.
Other names: c.932G>A, p.Arg311His (NM_156039.3, NM_172313.3); c.932G>A (NM_000760.3); short protein forms R311H.
Identifiers: ClinVar variation 1917384 (VCV001917384.6), dbSNP rs1386293956, ClinGen allele CA339422365.
Genomic context (GRCh38, chr1:36,472,303, plus strand): 5'-TCGGTAGTTCTCAGCTCCAGGCTGGGGCTCCAGTCGCTCCAGTGGCCAGGCAGGGGCCAG[C>T]GGATGCAGCGTATCTGCAGGGTGTAGGCCGTGGCTGGGAGGAGCCCGCAGAGCTCATACT-3'
Protein context (NP_000751.1, residues 301-321): TAYTLQIRCI[Arg311His]WPLPGHWSDW